The following is an entry in ClinVar:

ClinVar aggregate classification (germline): Uncertain significance. Review status: criteria provided, multiple submitters, no conflicts (2 of 4 stars). 2 submissions from 2 submitters: Uncertain significance (2). Last evaluated 2024-10-11.

Conditions:
Hereditary cancer-predisposing syndrome. Also called: Hereditary neoplastic syndrome; Tumor predisposition; Neoplastic Syndromes, Hereditary; Hereditary Cancer Syndrome. Identifiers: Orphanet 140162, MedGen C0027672, MeSH D009386, MONDO:0015356.

Allele frequency attached by ClinVar (database versions not stated): gnomAD 0.00007 and 0.00008; TOPMed 0.00008; 1000 Genomes Project 30x 0.00016.

Submissions (2):

GeneDx
Classification: Uncertain significance. Last evaluated: 2024-10-11. Review status: criteria provided, single submitter. Criteria: GeneDx Variant Classification Process June 2021. Collection method: clinical testing. Allele origin: germline. Affected: yes.
Comment: Located in a regulatory region; in the absence of functional studies, the actual effect of this sequence change is unknown; In silico analysis indicates that this variant does not alter splicing; Has not been previously published as pathogenic or benign to our knowledge; No data available from control populations to assess the frequency of this variant

Sema4
Classification: Uncertain significance for Hereditary cancer-predisposing syndrome. Last evaluated: 2021-08-07. Review status: criteria provided, single submitter. Criteria: Sema4 Curation Guidelines. Collection method: curation. Allele origin: germline.
Comment: The SMAD4 c.-128+6C>T variant has not been reported in the literature to our knowledge. This variant was observed in 3/14138 chromosomes in the European non-Finnish population, according to the Genome Aggregation Database (PMID: 32461654). This variant has been reported in ClinVar (Variation ID 420552). In silico tools suggest that this variant may not have an impact on splicing, though these predictions have not been confirmed by functional studies. The overall evidence is insufficient to meet ACMG/AMP criteria for classifying it as benign or pathogenic. In summary, the clinical significance of this variant is currently uncertain.

NM_005359.6(SMAD4):c.-128+6C>T

Gene: SMAD4 (SMAD family member 4; plus strand). Cytogenetic location: 18q21.2.
Variant type: single nucleotide variant.
Coding change: c.-128+6C>T on transcript NM_005359.6 (MANE Select); 6 bases into the intron after 128 bases upstream of the start codon, C replaced by T.
Molecular consequence: intron variant.
Genome position (GRCh38, 1-based): chr18:51,030,629, C>T. VCF-style: chr18-51030629-C-T. GRCh37 (hg19) VCF-style: chr18-48556999-C-T.
Identifiers: ClinVar variation 420552 (VCV000420552.4), dbSNP rs1023427434, ClinGen allele CA16620693.